The following is an entry in ClinVar:

ClinVar aggregate classification (germline): Uncertain significance (1 of 4 stars; one submission).

Submission:

CeGaT Center for Human Genetics Tuebingen
Classification: Uncertain significance. Last evaluated: 2023-09-01. Review status: criteria provided, single submitter. Criteria: CeGaT Center For Human Genetics Tuebingen Variant Classification Criteria Version 2. Collection method: clinical testing. Allele origin: germline. Affected: yes. Observed: 1 variant allele.
Comment: RASA2: PM2

NM_006506.5(RASA2):c.1897T>G (p.Leu633Val)

Gene: RASA2 (RAS p21 protein activator 2; plus strand). Cytogenetic location: 3q23.
Variant type: single nucleotide variant.
Coding change: c.1897T>G on transcript NM_006506.5 (MANE Select); coding-DNA position 1897, T replaced by G.
Protein change: p.Leu633Val; replaces leucine 633 with valine.
Molecular consequence: missense variant.
Genome position (GRCh38, 1-based): chr3:141,586,716, T>G. VCF-style: chr3-141586716-T-G. GRCh37 (hg19) VCF-style: chr3-141305558-T-G.
Other names: c.1897T>G, p.Leu633Val (NM_001303245.3, NM_001303246.3); short protein forms L633V.
Identifiers: ClinVar variation 2654202 (VCV002654202.24), dbSNP rs1476993118, ClinGen allele CA354782291.